The following is an entry in ClinVar:

ClinVar aggregate classification (germline): Uncertain significance. Review status: criteria provided, multiple submitters, no conflicts (2 of 4 stars). 2 submissions from 2 submitters: Uncertain significance (2). Last evaluated 2024-05-02.

Conditions:
Cardiovascular phenotype. Identifiers: MedGen CN230736.

Allele frequency attached by ClinVar (database versions not stated): ExAC 0.00001; gnomAD 0.00001; TOPMed 0.00001.
gnomAD v4.1: 16 of 1,613,968 alleles (0.00099%); highest among the groups gnomAD compares: Middle Eastern, 0.016%; no homozygotes.

Submissions (2):

Ambry Genetics
Classification: Uncertain significance for Cardiovascular phenotype. Last evaluated: 2024-05-02. Review status: criteria provided, single submitter. Criteria: Ambry Variant Classification Scheme 2023. Collection method: clinical testing. Allele origin: germline.
Comment: The p.A346T variant (also known as c.1036G>A), located in coding exon 7 of the ABCG8 gene, results from a G to A substitution at nucleotide position 1036. The alanine at codon 346 is replaced by threonine, an amino acid with similar properties. This amino acid position is conserved. In addition, the in silico prediction for this alteration is inconclusive. Since supporting evidence is limited at this time, the clinical significance of this alteration remains unclear.

Breakthrough Genomics
Classification: Uncertain significance. Review status: criteria provided, single submitter. Criteria: ACMG Guidelines, 2015. Collection method: not provided. Allele origin: germline. Inheritance: Autosomal recessive inheritance. Affected: yes.

NM_022437.3(ABCG8):c.1036G>A (p.Ala346Thr)

Gene: ABCG8 (ATP binding cassette subfamily G member 8; plus strand). Cytogenetic location: 2p21.
Variant type: single nucleotide variant.
Coding change: c.1036G>A on transcript NM_022437.3 (MANE Select); coding-DNA position 1036, G replaced by A.
Protein change: p.Ala346Thr; replaces alanine 346 with threonine.
Molecular consequence: missense variant.
Genome position (GRCh38, 1-based): chr2:43,872,047, G>A. VCF-style: chr2-43872047-G-A. GRCh37 (hg19) VCF-style: chr2-44099186-G-A.
Other names: c.1036G>A, p.Ala346Thr (NM_001357321.2); short protein forms A346T.
Identifiers: ClinVar variation 1772711 (VCV001772711.4), dbSNP rs759654526, ClinGen allele CA1637259.